The following is an entry in ClinVar:

ClinVar aggregate classification (germline): Uncertain significance (1 of 4 stars; one submission).

Conditions:
Perry syndrome. Also called: PARKINSONISM WITH ALVEOLAR HYPOVENTILATION AND MENTAL DEPRESSION. Identifiers: Orphanet 178509, MedGen C1868594, MONDO:0008201, OMIM 168605.
Neuronopathy, distal hereditary motor, type 7B. Also called: HMN VIIB; LOWER MOTOR NEURON DISEASE, DYNACTIN TYPE; NEURONOPATHY, DISTAL HEREDITARY MOTOR, HARDING TYPE VIIB; NEUROPATHY, DISTAL HEREDITARY MOTOR, HARDING TYPE VIIB; NEUROPATHY, DISTAL HEREDITARY MOTOR, WITH VOCAL CORD PARALYSIS, HARDING TYPE VIIB; Distal Hereditary Motor Neuronopathy Type 7B (dHMN7B). Identifiers: Orphanet 139589, MedGen C1843315, MONDO:0011879, OMIM 607641.
Amyotrophic lateral sclerosis type 1 (ALS1). Also called: AMYOTROPHIC LATERAL SCLEROSIS 1, FAMILIAL. Identifiers: Orphanet 803, MedGen C1862939, MONDO:0007103, OMIM 105400.

Allele frequency attached by ClinVar (database versions not stated): gnomAD exomes below 0.00001.
gnomAD v4.1: 3 of 1,614,184 alleles (0.00019%); highest among the groups gnomAD compares: Non-Finnish European, 0.00025%; no homozygotes.

Submission:

Labcorp Genetics (formerly Invitae), Labcorp
Classification: Uncertain significance for Amyotrophic lateral sclerosis type 1; Neuronopathy, distal hereditary motor, type 7B; Perry syndrome. Last evaluated: 2020-11-04. Review status: criteria provided, single submitter. Criteria: Invitae Variant Classification Sherloc (09022015). Collection method: clinical testing. Allele origin: germline.
Comment: In summary, the available evidence is currently insufficient to determine the role of this variant in disease. Therefore, it has been classified as a Variant of Uncertain Significance. Algorithms developed to predict the effect of missense changes on protein structure and function output the following: SIFT: "Tolerated"; PolyPhen-2: "Probably Damaging"; Align-GVGD: "Class C0". The lysine amino acid residue is found in multiple mammalian species, suggesting that this missense change does not adversely affect protein function. These predictions have not been confirmed by published functional studies and their clinical significance is uncertain. This variant has not been reported in the literature in individuals with DCTN1-related conditions. This variant is not present in population databases (ExAC no frequency). This sequence change replaces glutamic acid with lysine at codon 456 of the DCTN1 protein (p.Glu456Lys). The glutamic acid residue is highly conserved and there is a small physicochemical difference between glutamic acid and lysine.

NM_004082.5(DCTN1):c.1366G>A (p.Glu456Lys)

Gene: DCTN1 (dynactin subunit 1; minus strand). Cytogenetic location: 2p13.1.
Variant type: single nucleotide variant.
Coding change: c.1366G>A on transcript NM_004082.5 (MANE Select); coding-DNA position 1366, G replaced by A.
Protein change: p.Glu456Lys; replaces glutamic acid 456 with lysine.
Molecular consequence: missense variant. On other transcripts: non-coding transcript variant (1).
Genome position (GRCh38, 1-based): chr2:74,369,991, C>T on the plus strand (G>A on the coding strand, the complement: DCTN1 is on the minus strand). VCF-style: chr2-74369991-C-T. GRCh37 (hg19) VCF-style: chr2-74597118-C-T.
Other names: c.1306G>A, p.Glu436Lys (NM_001135040.3); c.964G>A, p.Glu322Lys (NM_001135041.3, NM_023019.4); c.1255G>A, p.Glu419Lys (NM_001190836.2); c.1345G>A, p.Glu449Lys (NM_001190837.2); c.1315G>A, p.Glu439Lys (NM_001378991.1); c.1297G>A, p.Glu433Lys (NM_001378992.1); short protein forms E322K, E433K, E436K, E449K, E456K, E439K, E419K.
Identifiers: ClinVar variation 1358117 (VCV001358117.8), dbSNP rs2103652794, ClinGen allele CA347359705.
Genomic context (GRCh38, chr2:74,369,991, plus strand): 5'-CAAGTCAGATGTCAGGGGTCTGCTCTTCTCTTACCAAGTCTCCCACAGTCTCCCTCAACT[C>T]GCGCACTTTCTCTTCCAGATTCAGGTTCCGATCTGTCAGCATCTCCACCATCTCCTCAGC-3'
Protein context (NP_004073.2, residues 446-466): RNLNLEEKVR[Glu456Lys]LRETVGDLEA